The following is an entry in ClinVar:

ClinVar aggregate classification (germline): Pathogenic (1 of 4 stars; one submission).

Conditions:
Dystonia 12 (DYT12). Also called: DYT-ATP1A3; Rapid-Onset Dystonia-Parkinsonism (RDP). Identifiers: Orphanet 71517, MedGen C1868681, MONDO:0007496, OMIM 128235.

Submission:

Labcorp Genetics (formerly Invitae), Labcorp
Classification: Pathogenic for Dystonia 12. Last evaluated: 2023-03-31. Review status: criteria provided, single submitter. Criteria: Invitae Variant Classification Sherloc (09022015). Collection method: clinical testing. Allele origin: germline.
Comment: This sequence change replaces alanine, which is neutral and non-polar, with proline, which is neutral and non-polar, at codon 723 of the ATP1A3 protein (p.Ala723Pro). For these reasons, this variant has been classified as Pathogenic. Advanced modeling of protein sequence and biophysical properties (such as structural, functional, and spatial information, amino acid conservation, physicochemical variation, residue mobility, and thermodynamic stability) performed at Invitae indicates that this missense variant is expected to disrupt ATP1A3 protein function. This missense change has been observed in individual(s) with clinical features of developmental and epileptic encephalopathy (Invitae). In at least one individual the variant was observed to be de novo. This variant is not present in population databases (gnomAD no frequency).

NM_152296.5(ATP1A3):c.2167G>C (p.Ala723Pro)

Gene: ATP1A3 (ATPase Na+/K+ transporting subunit alpha 3; minus strand). Cytogenetic location: 19q13.2.
Variant type: single nucleotide variant.
Coding change: c.2167G>C on transcript NM_152296.5 (MANE Select); coding-DNA position 2167, G replaced by C.
Protein change: p.Ala723Pro; replaces alanine 723 with proline.
Molecular consequence: missense variant.
Genome position (GRCh38, 1-based): chr19:41,975,725, C>G on the plus strand (G>C on the coding strand, the complement: ATP1A3 is on the minus strand). VCF-style: chr19-41975725-C-G. GRCh37 (hg19) VCF-style: chr19-42479877-C-G.
Other names: c.2200G>C, p.Ala734Pro (NM_001256213.2); c.2206G>C, p.Ala736Pro (NM_001256214.2); short protein forms A734P, A736P, A723P.
Identifiers: ClinVar variation 2829229 (VCV002829229.3), dbSNP rs2075158686, ClinGen allele CA406042002.